The following is an entry in ClinVar:

NM_004937.3(CTNS):c.188G>T (p.Arg63Leu)

Gene: CTNS (cystinosin, lysosomal cystine transporter; plus strand). Cytogenetic location: 17p13.2.
Variant type: single nucleotide variant.
Coding change: c.188G>T on transcript NM_004937.3 (MANE Select); coding-DNA position 188, G replaced by T.
Protein change: p.Arg63Leu; replaces arginine 63 with leucine.
Molecular consequence: missense variant. On other transcripts: 5 prime UTR variant (1), intron variant (3).
Genome position (GRCh38, 1-based): chr17:3,648,894, G>T. VCF-style: chr17-3648894-G-T. GRCh37 (hg19) VCF-style: chr17-3552188-G-T.
Other names: c.188G>T (NM_004937.2); c.188G>T, p.Arg63Leu (NM_001031681.3, NM_001374492.1); c.-254G>T (NM_001374494.1); c.-217+1372G>T (NM_001374493.1, NM_001374496.1); c.-216-6104G>T (NM_001374495.1); short protein forms R63L.
Identifiers: ClinVar variation 2043949 (VCV002043949.2), dbSNP rs760461979, ClinGen allele CA8291598.
Genomic context (GRCh38, chr17:3,648,894, plus strand): 5'-TTGTCCTCCACAGGCCACCATTAAATGCAACCCTGGTGATCACTTTTGAAATCACATTTC[G>T]TTCCAAAAATATTACTATCCTTGAGCTCCCCGATGAAGTAAGTAACCAATCTTAACGGAT-3'
Protein context (NP_004928.2, residues 53-73): TLVITFEITF[Arg63Leu]SKNITILELP

ClinVar aggregate classification (germline): Uncertain significance. Review status: criteria provided, multiple submitters, no conflicts (2 of 4 stars). 2 submissions from 2 submitters: Uncertain significance (2). Last evaluated 2025-08-22.

Conditions:
Inborn genetic diseases. Identifiers: MedGen C0950123, MeSH D030342.
Ocular cystinosis. Also called: Non-Nephropathic Cystinosis; Non-Nephropathic (Ocular) Cystinosis. Identifiers: Orphanet 213, Orphanet 411641, MedGen C2931013, MONDO:0009064, OMIM 219750.
Juvenile nephropathic cystinosis. Also called: Intermediate Cystinosis; CYSTINOSIS, LATE-ONSET JUVENILE OR ADOLESCENT NEPHROPATHIC TYPE; Later-Onset (Juvenile) Cystinosis. Identifiers: Orphanet 213, Orphanet 411634, MedGen C0268626, MONDO:0009066, OMIM 219900.

gnomAD v4.1: 92 of 1,613,874 alleles (0.0057%); highest among the groups gnomAD compares: Non-Finnish European, 0.0062%; no homozygotes.

Submissions (2):

Ambry Genetics
Classification: Uncertain significance for Inborn genetic diseases. Last evaluated: 2025-08-22. Review status: criteria provided, single submitter. Criteria: Ambry Variant Classification Scheme 2023. Collection method: clinical testing. Allele origin: germline.

Labcorp Genetics (formerly Invitae), Labcorp
Classification: Uncertain significance for Inborn genetic diseases; Ocular cystinosis; Juvenile nephropathic cystinosis. Last evaluated: 2022-04-19. Review status: criteria provided, single submitter. Criteria: Invitae Variant Classification Sherloc (09022015). Collection method: clinical testing. Allele origin: germline.
Comment: This sequence change replaces arginine, which is basic and polar, with leucine, which is neutral and non-polar, at codon 63 of the CTNS protein (p.Arg63Leu). This variant is present in population databases (rs760461979, gnomAD 0.02%). This variant has not been reported in the literature in individuals affected with CTNS-related conditions. Advanced modeling of protein sequence and biophysical properties (such as structural, functional, and spatial information, amino acid conservation, physicochemical variation, residue mobility, and thermodynamic stability) performed at Invitae indicates that this missense variant is not expected to disrupt CTNS protein function. In summary, the available evidence is currently insufficient to determine the role of this variant in disease. Therefore, it has been classified as a Variant of Uncertain Significance.